The following is an entry in ClinVar:

NM_013339.4(ALG6):c.1310G>T (p.Arg437Ile)

Gene: ALG6 (ALG6 alpha-1,3-glucosyltransferase; plus strand). Cytogenetic location: 1p31.3.
Variant type: single nucleotide variant.
Coding change: c.1310G>T on transcript NM_013339.4 (MANE Select); coding-DNA position 1310, G replaced by T.
Protein change: p.Arg437Ile; replaces arginine 437 with isoleucine.
Molecular consequence: missense variant.
Genome position (GRCh38, 1-based): chr1:63,429,110, G>T. VCF-style: chr1-63429110-G-T. GRCh37 (hg19) VCF-style: chr1-63894781-G-T.
Other names: short protein forms R437I.
Identifiers: ClinVar variation 1464924 (VCV001464924.5), dbSNP rs1318387105, ClinGen allele CA340640689.
Genomic context (GRCh38, chr1:63,429,110, plus strand): 5'-AGTTGAAATCCTTTTCCATTTCTGTGAGGAAATATCTTCCATGTTTTACATTTCTTTCCA[G>T]AATTATACAATATTTGGTAAGTTCAATTTTTAAGAAATGACACATTTTTCAGCATGTCAC-3'
Protein context (NP_037471.2, residues 427-447): KYLPCFTFLS[Arg437Ile]IIQYLFLISV

ClinVar aggregate classification (germline): Uncertain significance (1 of 4 stars; one submission).

Conditions:
ALG6-congenital disorder of glycosylation 1C (CDG1C). Also called: Congenital disorder of glycosylation, type Ic; CARBOHYDRATE-DEFICIENT GLYCOPROTEIN SYNDROME, TYPE I, WITH DEFICIENT GLYCOSYLATION OF DOLICHOL-LINKED OLIGOSACCHARIDE; CARBOHYDRATE-DEFICIENT GLYCOPROTEIN SYNDROME, TYPE V; Congenital disorder of glycosylation type 1C; CDG Ic. Identifiers: Orphanet 79320, MedGen C2930997, MONDO:0011291, OMIM 603147.

Submission:

Labcorp Genetics (formerly Invitae), Labcorp
Classification: Uncertain significance for ALG6-congenital disorder of glycosylation 1C. Last evaluated: 2022-04-16. Review status: criteria provided, single submitter. Criteria: Invitae Variant Classification Sherloc (09022015). Collection method: clinical testing. Allele origin: germline.
Comment: This sequence change replaces arginine, which is basic and polar, with isoleucine, which is neutral and non-polar, at codon 437 of the ALG6 protein (p.Arg437Ile). This variant is not present in population databases (gnomAD no frequency). This variant has not been reported in the literature in individuals affected with ALG6-related conditions. Algorithms developed to predict the effect of missense changes on protein structure and function (SIFT, PolyPhen-2, Align-GVGD) all suggest that this variant is likely to be tolerated. In summary, the available evidence is currently insufficient to determine the role of this variant in disease. Therefore, it has been classified as a Variant of Uncertain Significance.